The following is an entry in ClinVar:

ClinVar aggregate classification (germline): Uncertain significance. Review status: criteria provided, multiple submitters, no conflicts (2 of 4 stars). 3 submissions from 3 submitters: Uncertain significance (3). Last evaluated 2023-07-23.

Conditions:
Cardiovascular phenotype. Identifiers: MedGen CN230736.
Hereditary cancer-predisposing syndrome. Also called: Neoplastic Syndromes, Hereditary; Hereditary Cancer Syndrome; Tumor predisposition; Hereditary neoplastic syndrome. Identifiers: Orphanet 140162, MedGen C0027672, MeSH D009386, MONDO:0015356.
Neurofibromatosis, type 1 (NF1). Also called: Neurofibromatosis, type I; NEUROFIBROMATOSIS, TYPE I, SOMATIC; Peripheral type neurofibromatosis; VON RECKLINGHAUSEN DISEASE. Identifiers: Orphanet 636, MedGen C0027831, MONDO:0018975, OMIM 162200. Disease mechanism: loss of function.

Allele frequency attached by ClinVar (database versions not stated): gnomAD exomes below 0.00001.
gnomAD v4.1: 2 of 1,611,534 alleles (0.00012%); highest among the groups gnomAD compares: Middle Eastern, 0.017%; no homozygotes.

Submissions (3):

Ambry Genetics
Classification: Uncertain significance for Cardiovascular phenotype; Hereditary cancer-predisposing syndrome. Last evaluated: 2023-07-23. Review status: criteria provided, single submitter. Criteria: Ambry Variant Classification Scheme 2023. Collection method: clinical testing. Allele origin: germline.
Comment: The p.T1052A variant (also known as c.3154A>G), located in coding exon 24 of the NF1 gene, results from an A to G substitution at nucleotide position 3154. The threonine at codon 1052 is replaced by alanine, an amino acid with similar properties. This amino acid position is conserved. In addition, the in silico prediction for this alteration is inconclusive. Since supporting evidence is limited at this time, the clinical significance of this alteration remains unclear.

Labcorp Genetics (formerly Invitae), Labcorp
Classification: Uncertain significance for Neurofibromatosis, type 1. Last evaluated: 2023-02-20. Review status: criteria provided, single submitter. Criteria: Invitae Variant Classification Sherloc (09022015). Collection method: clinical testing. Allele origin: germline.
Comment: This sequence change replaces threonine, which is neutral and polar, with alanine, which is neutral and non-polar, at codon 1052 of the NF1 protein (p.Thr1052Ala). This variant is not present in population databases (gnomAD no frequency). This variant has not been reported in the literature in individuals affected with NF1-related conditions. ClinVar contains an entry for this variant (Variation ID: 655658). Advanced modeling of protein sequence and biophysical properties (such as structural, functional, and spatial information, amino acid conservation, physicochemical variation, residue mobility, and thermodynamic stability) performed at Invitae indicates that this missense variant is not expected to disrupt NF1 protein function. In summary, the available evidence is currently insufficient to determine the role of this variant in disease. Therefore, it has been classified as a Variant of Uncertain Significance.

Blueprint Genetics
Classification: Uncertain significance. Last evaluated: 2018-11-22. Review status: criteria provided, single submitter. Criteria: ACMG Guidelines, 2015. Collection method: clinical testing. Allele origin: germline.

NM_001042492.3(NF1):c.3154A>G (p.Thr1052Ala)

Gene: NF1 (neurofibromin 1; plus strand). Cytogenetic location: 17q11.2.
Variant type: single nucleotide variant.
Coding change: c.3154A>G on transcript NM_001042492.3 (MANE Select); coding-DNA position 3154, A replaced by G.
Protein change: p.Thr1052Ala; replaces threonine 1052 with alanine.
Molecular consequence: missense variant.
Genome position (GRCh38, 1-based): chr17:31,230,882, A>G. VCF-style: chr17-31230882-A-G. GRCh37 (hg19) VCF-style: chr17-29557900-A-G.
Other names: c.3154A>G, p.Thr1052Ala (NM_000267.4); short protein forms T1052A.
Identifiers: ClinVar variation 655658 (VCV000655658.7), dbSNP rs1597717598, ClinGen allele CA398988044.
Genomic context (GRCh38, chr17:31,230,882, plus strand): 5'-TTTTCTCCACCATTCTATAGGAATAAGATGGTAGAATACCTGACAGACTGGGTTATGGGA[A>G]CATCAAACCAAGCAGCAGATGATGATGTAAAATGTCTTACAAGGTAAAAAAAGAATGACC-3'
Protein context (NP_001035957.1, residues 1042-1062): VEYLTDWVMG[Thr1052Ala]SNQAADDDVK